The following is an entry in ClinVar:

NM_001171613.2(PREPL):c.1902A>T (p.Lys634Asn)

Genes: PREPL (prolyl endopeptidase like; minus strand), SLC3A1 (solute carrier family 3 member 1; plus strand). Cytogenetic location: 2p21.
Variant type: single nucleotide variant.
Coding change: c.1902A>T on transcript NM_001171613.2 (MANE Select); coding-DNA position 1902, A replaced by T.
Protein change: p.Lys634Asn; replaces lysine 634 with asparagine.
Molecular consequence: missense variant. On other transcripts: 3 prime UTR variant (1).
Genome position (GRCh38, 1-based): chr2:44,321,371, T>A on the plus strand (A>T on the coding strand, the complement: PREPL is on the minus strand). VCF-style: chr2-44321371-T-A. GRCh37 (hg19) VCF-style: chr2-44548510-T-A.
Other names: c.*732T>A (NM_000341.4); c.1983A>T, p.Lys661Asn (NM_001042385.2); c.1971A>T, p.Lys657Asn (NM_001042386.2); c.2169A>T, p.Lys723Asn (NM_001171603.1, NM_001171606.2, NM_001374275.1 and 2 more transcripts); c.1902A>T, p.Lys634Asn (NM_001171617.1, NM_001374277.1); short protein forms K634N, K657N, K661N, K723N.
Identifiers: ClinVar variation 4875429 (VCV004875429.2).

ClinVar aggregate classification (germline): Uncertain significance (1 of 4 stars; one submission).

Submission:

CeGaT Center for Human Genetics Tuebingen
Classification: Uncertain significance. Last evaluated: 2026-06-01. Review status: criteria provided, single submitter. Criteria: CeGaT Center For Human Genetics Tuebingen Variant Classification Criteria Version 2. Collection method: clinical testing. Allele origin: germline. Affected: yes. Observed: 1 variant allele.
Comment: PREPL: PM2